The following is an entry in ClinVar:

ClinVar aggregate classification (germline): Uncertain significance (1 of 4 stars; one submission).

Submission:

GeneDx
Classification: Uncertain significance. Last evaluated: 2022-03-07. Review status: criteria provided, single submitter. Criteria: GeneDx Variant Classification Process June 2021. Collection method: clinical testing. Allele origin: germline. Affected: yes.
Comment: Not observed at significant frequency in large population cohorts (gnomAD); In silico analysis supports that this missense variant has a deleterious effect on protein structure/function; Has not been previously published as pathogenic or benign to our knowledge

NM_001170629.2(CHD8):c.5271G>C (p.Gln1757His)

Gene: CHD8 (chromodomain helicase DNA binding protein 8; minus strand). Cytogenetic location: 14q11.2.
Variant type: single nucleotide variant.
Coding change: c.5271G>C on transcript NM_001170629.2 (MANE Select); coding-DNA position 5271, G replaced by C.
Protein change: p.Gln1757His; replaces glutamine 1757 with histidine.
Molecular consequence: missense variant.
Genome position (GRCh38, 1-based): chr14:21,395,031, C>G on the plus strand (G>C on the coding strand, the complement: CHD8 is on the minus strand). VCF-style: chr14-21395031-C-G. GRCh37 (hg19) VCF-style: chr14-21863190-C-G.
Other names: c.4434G>C, p.Gln1478His (NM_020920.4); short protein forms Q1478H, Q1757H.
Identifiers: ClinVar variation 1704808 (VCV001704808.2), dbSNP rs2501863223, ClinGen allele CA388884136.